The following is an entry in ClinVar:

ClinVar aggregate classification (germline): Benign/Likely benign. Review status: criteria provided, multiple submitters, no conflicts (2 of 4 stars). 3 submissions from 3 submitters: Benign (1); Likely benign (2). Last evaluated 2024-04-04.

Conditions:
Hereditary cancer-predisposing syndrome. Also called: Tumor predisposition; Neoplastic Syndromes, Hereditary; Hereditary Cancer Syndrome; Hereditary neoplastic syndrome. Identifiers: Orphanet 140162, MedGen C0027672, MeSH D009386, MONDO:0015356.
Familial adenomatous polyposis 1 (FAP1). Also called: POLYPOSIS, ADENOMATOUS INTESTINAL; FAMILIAL ADENOMATOUS POLYPOSIS 1, ATTENUATED. Identifiers: MedGen C2713442, MONDO:0021056, OMIM 175100. Disease mechanism: loss of function.

Submissions (3):

Myriad Genetics, Inc.
Classification: Benign for Familial adenomatous polyposis 1. Last evaluated: 2024-04-04. Review status: criteria provided, single submitter. Criteria: Myriad Autosomal Dominant, Autosomal Recessive and X-Linked Classification Criteria (2023). Collection method: clinical testing. Allele origin: unknown.
Comment: This variant is considered benign. This variant is a silent/synonymous amino acid change and it is not expected to impact splicing.

Labcorp Genetics (formerly Invitae), Labcorp
Classification: Likely benign for Familial adenomatous polyposis 1. Last evaluated: 2023-04-22. Review status: criteria provided, single submitter. Criteria: Invitae Variant Classification Sherloc (09022015). Collection method: clinical testing. Allele origin: germline.

Ambry Genetics
Classification: Likely benign for Hereditary cancer-predisposing syndrome. Last evaluated: 2022-04-05. Review status: criteria provided, single submitter. Criteria: Ambry Variant Classification Scheme 2023. Collection method: clinical testing. Allele origin: germline.

NM_000038.6(APC):c.6375T>C (p.Ser2125=)

Gene: APC (APC regulator of Wnt signaling pathway; plus strand). Cytogenetic location: 5q22.2.
Variant type: single nucleotide variant.
Coding change: c.6375T>C on transcript NM_000038.6 (MANE Select); coding-DNA position 6375, T replaced by C.
Protein change: p.Ser2125=; no amino-acid change (serine 2125 retained).
Molecular consequence: synonymous variant.
Genome position (GRCh38, 1-based): chr5:112,841,969, T>C. VCF-style: chr5-112841969-T-C. GRCh37 (hg19) VCF-style: chr5-112177666-T-C.
Other names: c.6429T>C, p.Ser2143= (NM_001354896.2); c.6405T>C, p.Ser2135= (NM_001354897.2); c.6300T>C, p.Ser2100= (NM_001354898.2); c.6291T>C, p.Ser2097= (NM_001354899.2); c.6252T>C, p.Ser2084= (NM_001354900.2); c.6198T>C, p.Ser2066= (NM_001354901.2); c.6102T>C, p.Ser2034= (NM_001354902.2); c.6072T>C, p.Ser2024= (NM_001354903.2); and 5 more.
Identifiers: ClinVar variation 758580 (VCV000758580.15), dbSNP rs1580670194, ClinGen allele CA446210387.
Genomic context (GRCh38, chr5:112,841,969, plus strand): 5'-GGAAGGTGCAAATTCCATAGTAAGTAGTTTACATCAAGCTGCTGCTGCTGCATGTTTATC[T>C]AGACAAGCTTCGTCTGATTCAGATTCCATCCTTTCCCTGAAATCAGGAATCTCTCTGGGA-3'
Protein context (NP_000029.2, residues 2115-2135): LHQAAAAACL[Ser2125=]RQASSDSDSI